The following is an entry in ClinVar:

NM_001267550.2(TTN):c.26094C>A (p.Thr8698=)

Gene: TTN (titin; minus strand). Cytogenetic location: 2q31.2.
Variant type: single nucleotide variant.
Coding change: c.26094C>A on transcript NM_001267550.2 (MANE Select); coding-DNA position 26094, C replaced by A.
Protein change: p.Thr8698=; no amino-acid change (threonine 8698 retained).
Molecular consequence: synonymous variant. On other transcripts: intron variant (3).
Genome position (GRCh38, 1-based): chr2:178,715,092, G>T on the plus strand (C>A on the coding strand, the complement: TTN is on the minus strand). VCF-style: chr2-178715092-G-T. GRCh37 (hg19) VCF-style: chr2-179579819-G-T.
Other names: c.25143C>A, p.Thr8381= (NM_001256850.1); c.22362C>A, p.Thr7454= (NM_133378.4); c.13282+22990C>A (NM_003319.4); c.13858+22990C>A (NM_133437.4); c.13657+22990C>A (NM_133432.3).
Identifiers: ClinVar variation 507468 (VCV000507468.4), dbSNP rs1553897341, ClinGen allele CA430285379.

ClinVar aggregate classification (germline): Likely benign. Review status: criteria provided, multiple submitters, no conflicts (2 of 4 stars). 2 submissions from 2 submitters: Likely benign (2). Last evaluated 2025-05-19.

Conditions:
Dilated cardiomyopathy 1G (CMD1G). Identifiers: Orphanet 154, MedGen C1858763, MONDO:0011400, OMIM 604145.
Autosomal recessive limb-girdle muscular dystrophy type 2J (LGMDR10). Also called: Limb-girdle muscular dystrophy, type 2J; MUSCULAR DYSTROPHY, LIMB-GIRDLE, AUTOSOMAL RECESSIVE 10. Identifiers: Orphanet 140922, MedGen C1837342, MONDO:0012127, OMIM 608807.

Allele frequency attached by ClinVar (database versions not stated): gnomAD exomes below 0.00001.
gnomAD v4.1: 1 of 1,613,682 alleles (0.000062%); highest among the groups gnomAD compares: Admixed American, 0.0017%; no homozygotes.

Submissions (2):

Labcorp Genetics (formerly Invitae), Labcorp
Classification: Likely benign for Dilated cardiomyopathy 1G; Autosomal recessive limb-girdle muscular dystrophy type 2J. Last evaluated: 2025-05-19. Review status: criteria provided, single submitter. Criteria: Invitae Variant Classification Sherloc (09022015). Collection method: clinical testing. Allele origin: germline.

GeneDx
Classification: Likely benign. Last evaluated: 2017-02-20. Review status: criteria provided, single submitter. Criteria: GeneDx Variant Classification (06012015). Collection method: clinical testing. Allele origin: germline. Affected: yes.
Comment: This variant is considered likely benign or benign based on one or more of the following criteria: it is a conservative change, it occurs at a poorly conserved position in the protein, it is predicted to be benign by multiple in silico algorithms, and/or has population frequency not consistent with disease.